The following is an entry in ClinVar:

NM_000113.3(TOR1A):c.405A>G (p.Thr135=)

Gene: TOR1A (torsin family 1 member A; minus strand). Cytogenetic location: 9q34.11.
Variant type: single nucleotide variant.
Coding change: c.405A>G on transcript NM_000113.3 (MANE Select); coding-DNA position 405, A replaced by G.
Protein change: p.Thr135=; no amino-acid change (threonine 135 retained).
Molecular consequence: synonymous variant.
Genome position (GRCh38, 1-based): chr9:129,822,620, T>C on the plus strand (A>G on the coding strand, the complement: TOR1A is on the minus strand). VCF-style: chr9-129822620-T-C. GRCh37 (hg19) VCF-style: chr9-132584899-T-C.
Identifiers: ClinVar variation 2016562 (VCV002016562.9), dbSNP rs533857331, ClinGen allele CA200495239.

ClinVar aggregate classification (germline): Likely benign. Review status: criteria provided, multiple submitters, no conflicts (2 of 4 stars). 2 submissions from 2 submitters: Likely benign (2). Last evaluated 2025-12-01.

Conditions:
Dystonic disorder. Also called: Dystonia. Identifiers: MedGen C0013421, MONDO:0003441, HP:0001332.

Allele frequency attached by ClinVar (database versions not stated): gnomAD 0.00001; gnomAD exomes 0.00001; TOPMed 0.00001.
gnomAD v4.1: 11 of 1,614,090 alleles (0.00068%); highest among the groups gnomAD compares: Non-Finnish European, 0.00093%; no homozygotes.

Submissions (2):

CeGaT Center for Human Genetics Tuebingen
Classification: Likely benign. Last evaluated: 2025-12-01. Review status: criteria provided, single submitter. Criteria: CeGaT Center For Human Genetics Tuebingen Variant Classification Criteria Version 2. Collection method: clinical testing. Allele origin: germline. Affected: yes. Observed: 1 variant allele.
Comment: TOR1A: BP4, BP7

Labcorp Genetics (formerly Invitae), Labcorp
Classification: Likely benign for Dystonic disorder. Last evaluated: 2023-04-09. Review status: criteria provided, single submitter. Criteria: Invitae Variant Classification Sherloc (09022015). Collection method: clinical testing. Allele origin: germline.